The following is an entry in ClinVar:

ClinVar aggregate classification (germline): Pathogenic (1 of 4 stars; one submission).

Allele frequency attached by ClinVar (database versions not stated): gnomAD exomes below 0.00001.

Submission:

Labcorp Genetics (formerly Invitae), Labcorp
Classification: Pathogenic. Last evaluated: 2020-08-14. Review status: criteria provided, single submitter. Criteria: Invitae Variant Classification Sherloc (09022015). Collection method: clinical testing. Allele origin: germline.
Comment: This sequence change creates a premature translational stop signal (p.Ser45Profs*23) in the PPOX gene. It is expected to result in an absent or disrupted protein product. This variant is not present in population databases (ExAC no frequency). This variant has been observed in an individual with variegate porphyria (PMID: 18570668). Loss-of-function variants in PPOX are known to be pathogenic (PMID: 10486317). For these reasons, this variant has been classified as Pathogenic.

Literature cited by the submitters: PubMed 18570668; PubMed 10486317.

NM_001122764.3(PPOX):c.133del (p.Ser45fs)

Gene: PPOX (protoporphyrinogen oxidase; plus strand). Cytogenetic location: 1q23.3.
Variant type: Deletion.
Coding change: c.133del on transcript NM_001122764.3 (MANE Select); coding-DNA position 133, one base deleted (T; older notation c.133delT).
Protein change: p.Ser45fs; shifts the reading frame from serine 45.
Molecular consequence: frameshift variant. On other transcripts: 5 prime UTR variant (5).
Genome position (GRCh38, 1-based): chr1:161,167,145, T deleted. VCF-style (leftmost placement, unchanged base first): chr1-161167144-CT-C. GRCh37 (hg19) VCF-style: chr1-161136934-CT-C.
Other names: c.133del, p.Ser45fs (NM_000309.5, NM_001350128.2, NM_001365398.1 and 1 more transcripts); c.-295del (NM_001350129.2); c.-386del (NM_001350130.2); c.-272del (NM_001350131.2); c.-179del (NM_001365400.1); c.-238del (NM_001365401.1); short protein forms S45fs.
Identifiers: ClinVar variation 1072574 (VCV001072574.9), dbSNP rs2101846610, ClinGen allele CA2499214266.